The following is an entry in ClinVar:

NM_002834.5(PTPN11):c.575A>G (p.Asp192Gly)

Gene: PTPN11 (protein tyrosine phosphatase non-receptor type 11; plus strand). Cytogenetic location: 12q24.13.
Variant type: single nucleotide variant.
Coding change: c.575A>G on transcript NM_002834.5 (MANE Select); coding-DNA position 575, A replaced by G.
Protein change: p.Asp192Gly; replaces aspartic acid 192 with glycine.
Molecular consequence: missense variant.
Genome position (GRCh38, 1-based): chr12:112,454,613, A>G. VCF-style: chr12-112454613-A-G. GRCh37 (hg19) VCF-style: chr12-112892417-A-G.
Other names: c.575A>G, p.Asp192Gly (NM_001330437.2, NM_080601.3); c.572A>G, p.Asp191Gly (NM_001374625.1); short protein forms D191G, D192G.
Identifiers: ClinVar variation 1190424 (VCV001190424.4), dbSNP rs2135869587, ClinGen allele CA386782392.
Genomic context (GRCh38, chr12:112,454,613, plus strand): 5'-TATCTTGAAAGGAACTGAAATACGACGTTGGTGGAGGAGAACGGTTTGATTCTTTGACAG[A>G]TCTTGTGGAACATTATAAGAAGAATCCTATGGTGGAAACATTGGGTACAGTACTACAACT-3'
Protein context (NP_002825.3, residues 182-202): GGGERFDSLT[Asp192Gly]LVEHYKKNPM

ClinVar aggregate classification (germline): Uncertain significance. Review status: criteria provided, multiple submitters, no conflicts (2 of 4 stars). 2 submissions from 2 submitters: Uncertain significance (2). Last evaluated 2021-12-07.

Conditions:
Cardiovascular phenotype. Identifiers: MedGen CN230736.

Allele frequency attached by ClinVar (database versions not stated): gnomAD exomes below 0.00001.

Submissions (2):

Ambry Genetics
Classification: Uncertain significance for Cardiovascular phenotype. Last evaluated: 2021-12-07. Review status: criteria provided, single submitter. Criteria: Ambry Variant Classification Scheme 2023. Collection method: clinical testing. Allele origin: germline.
Comment: The p.D192G variant (also known as c.575A>G), located in coding exon 5 of the PTPN11 gene, results from an A to G substitution at nucleotide position 575. The aspartic acid at codon 192 is replaced by glycine, an amino acid with similar properties. This amino acid position is conserved. In addition, this alteration is predicted to be deleterious by in silico analysis. Since supporting evidence is limited at this time, the clinical significance of this alteration remains unclear.

GeneDx
Classification: Uncertain significance. Last evaluated: 2020-12-09. Review status: criteria provided, single submitter. Criteria: GeneDx Variant Classification Process June 2021. Collection method: clinical testing. Allele origin: germline. Affected: yes.
Comment: Has not been previously published as pathogenic or benign to our knowledge; Not observed in large population cohorts (Lek et al., 2016); In silico analysis, which includes protein predictors and evolutionary conservation, supports a deleterious effect; In-silico analysis is inconclusive as to whether the variant alters gene splicing. In the absence of RNA/functional studies, the actual effect of this sequence change is unknown.; The majority of missense variants in this gene are considered pathogenic (Stenson et al., 2014)